The following is an entry in ClinVar:

NM_001710.6(CFB):c.2182C>T (p.Gln728Ter)

Gene: CFB (complement factor B; plus strand). Cytogenetic location: 6p21.33.
Variant type: single nucleotide variant.
Coding change: c.2182C>T on transcript NM_001710.6 (MANE Select); coding-DNA position 2182, C replaced by T.
Protein change: p.Gln728Ter; replaces glutamine 728 with a stop codon.
Molecular consequence: nonsense.
Genome position (GRCh38, 1-based): chr6:31,951,917, C>T. VCF-style: chr6-31951917-C-T. GRCh37 (hg19) VCF-style: chr6-31919694-C-T.
Other names: short protein forms Q728*.
Identifiers: ClinVar variation 4280418 (VCV004280418.1).
Genomic context (GRCh38, chr6:31,951,917, plus strand): 5'-ACCCCACTGCCTCTGCAGGTTGGTGTAATCAGCTGGGGAGTAGTGGATGTCTGCAAAAAC[C>T]AGAAGCGGCAAAAGCAGGTACCTGCTCACGCCCGAGACTTTCACATCAACCTCTTTCAAG-3'

ClinVar aggregate classification (germline): Uncertain significance (1 of 4 stars; one submission).

Conditions:
Atypical hemolytic-uremic syndrome. Identifiers: Orphanet 2134, MedGen C2931788, MONDO:0016244.

Submission:

Genomenon, Inc
Classification: Uncertain significance for Atypical hemolytic-uremic syndrome. Last evaluated: 2025-09-26. Review status: criteria provided, single submitter. Criteria: Genomenon Sequence Variant Interpretation Standards - Updated. Collection method: curation. Allele origin: germline. Affected: no.
Comment: CFB p.Gln728Ter (c.2182C>T) is a nonsense variant that introduces a premature stop codon at amino acid position 728, creating a truncated protein. This variant has been reported in the published literature (PMID:38041748). It is absent or not present at a significant frequency in gnomAD. In conclusion, we classify CFB p.Gln728Ter (c.2182C>T) as a variant of uncertain significance.

Literature cited by the submitters: PubMed 38041748.